The following is an entry in ClinVar:

NM_007194.4(CHEK2):c.663del (p.Met222fs)

Gene: CHEK2 (checkpoint kinase 2; minus strand). Cytogenetic location: 22q12.1.
Variant type: Deletion.
Coding change: c.663del on transcript NM_007194.4 (MANE Select); coding-DNA position 663, one base deleted (C; older notation c.663delC).
Protein change: p.Met222fs; shifts the reading frame from methionine 222.
Molecular consequence: frameshift variant. On other transcripts: 5 prime UTR variant (2), intron variant (1).
Genome position (GRCh38, 1-based): chr22:28,719,415, G deleted on the plus strand (C on the coding strand, the reverse complement: CHEK2 is on the minus strand). VCF-style (leftmost placement, unchanged base first): chr22-28719414-TG-T. GRCh37 (hg19) VCF-style: chr22-29115402-TG-T.
Other names: c.792del, p.Met265fs (NM_001005735.3, NM_001438294.1); c.-1del (NM_001257387.3, NM_001437942.1); c.756del, p.Met253fs (NM_001438293.1, NM_001438295.1); c.663del, p.Met222fs (NM_145862.3); c.482+5471del (NM_001349956.3); short protein forms M222fs, M265fs, M253fs.
Identifiers: ClinVar variation 2710101 (VCV002710101.3), dbSNP rs2502272014, ClinGen allele CA2697552644.
Genomic context (GRCh38, chr22:28,719,414, plus strand): 5'-AGTGAAAAAATTAAGTGCATTTATATAAGAAAATAATTTACCTTCCAAGAGTTTTTGACA[TG>T]ATGTATTCATCTCTTAATGCCTTAGGATAAACTGACTGATCATCTACAGTCAGATCAAAA-3'

ClinVar aggregate classification (germline): Pathogenic (1 of 4 stars; one submission).

Conditions:
Familial cancer of breast. Also called: hereditary breast carcinoma; Hereditary breast cancer; BREAST CANCER, FAMILIAL. Identifiers: Orphanet 227535, MedGen C0346153, MONDO:0016419, OMIM 114480. Disease mechanism: loss of function.

Submission:

Labcorp Genetics (formerly Invitae), Labcorp
Classification: Pathogenic for Familial cancer of breast. Last evaluated: 2024-02-01. Review status: criteria provided, single submitter. Criteria: Invitae Variant Classification Sherloc (09022015). Collection method: clinical testing. Allele origin: germline.
Comment: This sequence change creates a premature translational stop signal (p.Met222Cysfs*13) in the CHEK2 gene. It is expected to result in an absent or disrupted protein product. Loss-of-function variants in CHEK2 are known to be pathogenic (PMID: 21876083, 24713400). This variant is not present in population databases (gnomAD no frequency). This variant has not been reported in the literature in individuals affected with CHEK2-related conditions. For these reasons, this variant has been classified as Pathogenic.

Literature cited by the submitters: PubMed 21876083; PubMed 24713400.